The following is an entry in ClinVar:

ClinVar aggregate classification (germline): Uncertain significance (1 of 4 stars; one submission).

gnomAD v4.1: 2 of 1,614,154 alleles (0.00012%); highest among the groups gnomAD compares: Non-Finnish European, 0.00017%; no homozygotes.

Submission:

Labcorp Genetics (formerly Invitae), Labcorp
Classification: Uncertain significance. Last evaluated: 2024-09-09. Review status: criteria provided, single submitter. Criteria: Invitae Variant Classification Sherloc (09022015). Collection method: clinical testing. Allele origin: germline.
Comment: This sequence change replaces proline, which is neutral and non-polar, with alanine, which is neutral and non-polar, at codon 93 of the NCSTN protein (p.Pro93Ala). This variant is not present in population databases (gnomAD no frequency). This variant has not been reported in the literature in individuals affected with NCSTN-related conditions. Invitae Evidence Modeling of protein sequence and biophysical properties (such as structural, functional, and spatial information, amino acid conservation, physicochemical variation, residue mobility, and thermodynamic stability) indicates that this missense variant is expected to disrupt NCSTN protein function with a positive predictive value of 80%. In summary, the available evidence is currently insufficient to determine the role of this variant in disease. Therefore, it has been classified as a Variant of Uncertain Significance.

NM_015331.3(NCSTN):c.277C>G (p.Pro93Ala)

Gene: NCSTN (nicastrin; plus strand). Cytogenetic location: 1q23.2.
Variant type: single nucleotide variant.
Coding change: c.277C>G on transcript NM_015331.3 (MANE Select); coding-DNA position 277, C replaced by G.
Protein change: p.Pro93Ala; replaces proline 93 with alanine.
Molecular consequence: missense variant.
Genome position (GRCh38, 1-based): chr1:160,349,085, C>G. VCF-style: chr1-160349085-C-G. GRCh37 (hg19) VCF-style: chr1-160318875-C-G.
Other names: c.217C>G, p.Pro73Ala (NM_001290184.2); c.277C>G, p.Pro93Ala (NM_001290186.2, NM_001349729.2); short protein forms P73A, P93A.
Identifiers: ClinVar variation 3664885 (VCV003664885.2).